The following is an entry in ClinVar:

NM_006924.5(SRSF1):c.460C>T (p.Arg154Ter)

Genes: SRSF1 (serine and arginine rich splicing factor 1; minus strand), LOC126862603 (BRD4-independent group 4 enhancer GRCh37_chr17:56082218-56083417; plus strand). Cytogenetic location: 17q22.
Variant type: single nucleotide variant.
Coding change: c.460C>T on transcript NM_006924.5 (MANE Select); coding-DNA position 460, C replaced by T.
Protein change: p.Arg154Ter; replaces arginine 154 with a stop codon.
Molecular consequence: nonsense. On other transcripts: non-coding transcript variant (2).
Genome position (GRCh38, 1-based): chr17:58,005,893, G>A on the plus strand (C>T on the coding strand, the complement: SRSF1 is on the minus strand). VCF-style: chr17-58005893-G-A. GRCh37 (hg19) VCF-style: chr17-56083254-G-A.
Other names: c.460C>T, p.Arg154Ter (NM_001078166.2); short protein forms R154*.
Identifiers: ClinVar variation 3170251 (VCV003170251.2), dbSNP rs2509285717, ClinGen allele CA399946010.

ClinVar aggregate classification (germline): Pathogenic (1 of 4 stars; one submission).

Conditions:
Inborn genetic diseases. Identifiers: MedGen C0950123, MeSH D030342.

Submission:

Ambry Genetics
Classification: Pathogenic for Inborn genetic diseases. Last evaluated: 2025-11-12. Review status: criteria provided, single submitter. Criteria: Ambry Variant Classification Scheme 2023. Collection method: clinical testing. Allele origin: germline.
Comment: The c.460C>T (p.R154*) alteration, located in coding exon 3 of the SRSF1 gene, consists of a C to T substitution at nucleotide position 460. This changes the amino acid from an arginine (R) to a stop codon at amino acid position 154. This variant is not expected to trigger nonsense-mediated mRNA decay, and impacts the last 37% of the protein. Premature stop codons are typically deleterious in nature, the impacted region is critical for protein function, and a significant portion of the protein is affected (Ambry internal data). This variant was not reported in population-based cohorts in the Genome Aggregation Database (gnomAD). Based on the available evidence, this alteration is classified as pathogenic.